The following is an entry in ClinVar:

ClinVar aggregate classification (germline): Uncertain significance (1 of 4 stars; one submission).

Conditions:
Angelman syndrome-like. Identifiers: MedGen CN128785.
Developmental and epileptic encephalopathy, 2 (DEE2). Also called: INFANTILE SPASM SYNDROME, X-LINKED 2; CDKL5 deficiency disorder. Identifiers: Orphanet 1934, Orphanet 3451, Orphanet 505652, MedGen C4750718, MONDO:0010396, OMIM 300672.

Submission:

Labcorp Genetics (formerly Invitae), Labcorp
Classification: Uncertain significance for Developmental and epileptic encephalopathy, 2; Angelman syndrome-like. Last evaluated: 2021-08-22. Review status: criteria provided, single submitter. Criteria: Invitae Variant Classification Sherloc (09022015). Collection method: clinical testing. Allele origin: germline.
Comment: A copy number gain of the genomic region encompassing the full coding sequence of the CDKL5 gene has been identified. The boundaries of this event are unknown as they extend beyond the assayed region for this gene and therefore may encompass additional genes. As the precise location of this event is unknown, it may be in tandem or it may be located elsewhere in the genome. Isolated whole-gene copy number gains of CDKL5 have not been reported in the literature. However, larger copy number events that include this gene have been reported (PMID: 17546640, 18076117, 25315662). A similar copy number variant has been observed in at least one individual who was not affected with CDKL5-related conditions (Invitae). In summary, the available evidence is currently insufficient to determine the role of this variant in disease. Therefore, it has been classified as a Variant of Uncertain Significance.

Literature cited by the submitters: PubMed 17546640; PubMed 18076117; PubMed 25315662.

NC_000023.10:g.(?_18525211)_(18671669_?)dup

Genes: CDKL5 (cyclin dependent kinase like 5; plus strand), RS1 (retinoschisin 1; minus strand). Cytogenetic location: Xp22.13.
Variant type: Duplication.
Identifiers: ClinVar variation 1410775 (VCV001410775.1).